The following is an entry in ClinVar:

NM_006852.6(TLK2):c.1729C>G (p.Leu577Val)

Gene: TLK2 (tousled like kinase 2; plus strand). Cytogenetic location: 17q23.2.
Variant type: single nucleotide variant.
Coding change: c.1729C>G on transcript NM_006852.6 (MANE Select); coding-DNA position 1729, C replaced by G.
Protein change: p.Leu577Val; replaces leucine 577 with valine.
Molecular consequence: missense variant.
Genome position (GRCh38, 1-based): chr17:62,602,050, C>G. VCF-style: chr17-62602050-C-G. GRCh37 (hg19) VCF-style: chr17-60679411-C-G.
Other names: c.1795C>G, p.Leu599Val (NM_001284333.3); c.1633C>G, p.Leu545Val (NM_001284363.1, NM_001375272.1); c.1282C>G, p.Leu428Val (NM_001330418.3, NM_001375273.1); c.1771C>G, p.Leu591Val (NM_001375269.1); c.1729C>G, p.Leu577Val (NM_001375270.1, NM_001375271.1); c.1444C>G, p.Leu482Val (NM_001411074.1); short protein forms L428V, L482V, L545V, L577V, L591V, L599V.
Identifiers: ClinVar variation 3349778 (VCV003349778.1).

ClinVar aggregate classification (germline): Uncertain significance (0 of 4 stars; one submission).

Conditions:
TLK2-related disorder. Also called: TLK2-related condition.

Submission:

PreventionGenetics, part of Exact Sciences
Classification: Uncertain significance for TLK2-related condition. Last evaluated: 2024-03-10. Review status: no assertion criteria provided. Collection method: clinical testing. Allele origin: germline.
Comment: The TLK2 c.1795C>G variant is predicted to result in the amino acid substitution p.Leu599Val. To our knowledge, this variant has not been reported in the literature or in a large population database, indicating this variant is rare. At this time, the clinical significance of this variant is uncertain due to the absence of conclusive functional and genetic evidence.